The following is an entry in ClinVar:

NM_001372.4(DNAH9):c.235A>G (p.Arg79Gly)

Gene: DNAH9 (dynein axonemal heavy chain 9; plus strand). Cytogenetic location: 17p12.
Variant type: single nucleotide variant.
Coding change: c.235A>G on transcript NM_001372.4 (MANE Select); coding-DNA position 235, A replaced by G.
Protein change: p.Arg79Gly; replaces arginine 79 with glycine.
Molecular consequence: missense variant.
Genome position (GRCh38, 1-based): chr17:11,598,733, A>G. VCF-style: chr17-11598733-A-G. GRCh37 (hg19) VCF-style: chr17-11502050-A-G.
Other names: short protein forms R79G.
Identifiers: ClinVar variation 2084608 (VCV002084608.4), dbSNP rs1014250149, ClinGen allele CA287796723.

ClinVar aggregate classification (germline): Uncertain significance (1 of 4 stars; one submission).

Allele frequency attached by ClinVar (database versions not stated): TOPMed 0.00003; gnomAD 0.00004; 1000 Genomes Project 30x 0.00016.
gnomAD v4.1: 27 of 1,399,174 alleles (0.0019%); highest among the groups gnomAD compares: African/African-American, 0.031%; no homozygotes.

Submission:

Labcorp Genetics (formerly Invitae), Labcorp
Classification: Uncertain significance. Last evaluated: 2024-12-16. Review status: criteria provided, single submitter. Criteria: Invitae Variant Classification Sherloc (09022015). Collection method: clinical testing. Allele origin: germline.
Comment: This sequence change replaces arginine, which is basic and polar, with glycine, which is neutral and non-polar, at codon 79 of the DNAH9 protein (p.Arg79Gly). The frequency data for this variant in the population databases is considered unreliable, as metrics indicate poor data quality at this position in the gnomAD database. This variant has not been reported in the literature in individuals affected with DNAH9-related conditions. ClinVar contains an entry for this variant (Variation ID: 2084608). Invitae Evidence Modeling of protein sequence and biophysical properties (such as structural, functional, and spatial information, amino acid conservation, physicochemical variation, residue mobility, and thermodynamic stability) indicates that this missense variant is not expected to disrupt DNAH9 protein function with a negative predictive value of 80%. In summary, the available evidence is currently insufficient to determine the role of this variant in disease. Therefore, it has been classified as a Variant of Uncertain Significance.